The following is an entry in ClinVar:

ClinVar aggregate classification (germline): Likely benign. Review status: criteria provided, multiple submitters, no conflicts (2 of 4 stars). 3 submissions from 3 submitters: Likely benign (3). Last evaluated 2026-01-14.

Allele frequency attached by ClinVar (database versions not stated): ESP Exome Variant Server 0.00031; 1000 Genomes Project 0.00040; gnomAD 0.00144 and 0.00155; gnomAD exomes 0.00211.
gnomAD v4.1: 824 of 1,102,702 alleles (0.075%); highest among the groups gnomAD compares: Non-Finnish European, 0.034%; 6 homozygotes.

Submissions (3):

Labcorp Genetics (formerly Invitae), Labcorp
Classification: Likely benign. Last evaluated: 2026-01-14. Review status: criteria provided, single submitter. Criteria: Invitae Variant Classification Sherloc (09022015). Collection method: clinical testing. Allele origin: germline.

Blueprint Genetics
Classification: Likely benign. Last evaluated: 2024-10-09. Review status: criteria provided, single submitter. Criteria: ACMG Guidelines, 2015. Collection method: clinical testing. Allele origin: germline.

CeGaT Center for Human Genetics Tuebingen
Classification: Likely benign. Last evaluated: 2023-03-01. Review status: criteria provided, single submitter. Criteria: CeGaT Center For Human Genetics Tuebingen Variant Classification Criteria Version 2. Collection method: clinical testing. Allele origin: germline. Affected: yes. Observed: 1 variant allele.
Comment: CD55: BP4, BS2

NM_000574.5(CD55):c.1082-8A>C

Gene: CD55 (CD55 molecule (Cromer blood group); plus strand). Cytogenetic location: 1q32.2.
Variant type: single nucleotide variant.
Coding change: c.1082-8A>C on transcript NM_000574.5 (MANE Select); 8 bases into the intron before coding-DNA position 1082, A replaced by C.
Molecular consequence: intron variant.
Genome position (GRCh38, 1-based): chr1:207,359,538, A>C. VCF-style: chr1-207359538-A-C. GRCh37 (hg19) VCF-style: chr1-207532883-A-C.
Other names: c.1200-8A>C (NM_001114752.3); c.1197-8A>C (NM_001300903.2); c.*20-8A>C (NM_001300904.2).
Identifiers: ClinVar variation 1650936 (VCV001650936.33), dbSNP rs200392245, ClinGen allele CA1368276.